The following is an entry in ClinVar:

NM_199420.4(POLQ):c.3629A>T (p.Gln1210Leu)

Gene: POLQ (DNA polymerase theta; minus strand). Cytogenetic location: 3q13.33.
Variant type: single nucleotide variant.
Coding change: c.3629A>T on transcript NM_199420.4 (MANE Select); coding-DNA position 3629, A replaced by T.
Protein change: p.Gln1210Leu; replaces glutamine 1210 with leucine.
Molecular consequence: missense variant.
Genome position (GRCh38, 1-based): chr3:121,489,302, T>A on the plus strand (A>T on the coding strand, the complement: POLQ is on the minus strand). VCF-style: chr3-121489302-T-A. GRCh37 (hg19) VCF-style: chr3-121208149-T-A.
Other names: short protein forms Q1210L.
Identifiers: ClinVar variation 3422398 (VCV003422398.1).

ClinVar aggregate classification (germline): Uncertain significance (1 of 4 stars; one submission).

gnomAD v4.1: 1 of 1,613,744 alleles (0.000062%); highest among the groups gnomAD compares: Non-Finnish European, 0.000085%; no homozygotes.

Submission:

Ambry Genetics
Classification: Uncertain significance. Last evaluated: 2024-09-01. Review status: criteria provided, single submitter. Criteria: Ambry Variant Classification Scheme 2023. Collection method: clinical testing. Allele origin: germline.
Comment: The p.Q1210L variant (also known as c.3629A>T), located in coding exon 16 of the POLQ gene, results from an A to T substitution at nucleotide position 3629. The glutamine at codon 1210 is replaced by leucine, an amino acid with dissimilar properties. This amino acid position is conserved. In addition, this alteration is predicted to be tolerated by in silico analysis. Based on the available evidence, the clinical significance of this variant remains unclear.